The following is an entry in ClinVar:

ClinVar aggregate classification (germline): Pathogenic (1 of 4 stars; one submission).

Conditions:
Carney complex, type 1 (CNC1). Also called: CARNEY MYXOMA-ENDOCRINE COMPLEX; CARNEY COMPLEX, TYPE I. Identifiers: Orphanet 1359, MedGen C2607929, MONDO:0008057, OMIM 160980.

Submission:

Labcorp Genetics (formerly Invitae), Labcorp
Classification: Pathogenic for Carney complex, type 1. Last evaluated: 2022-01-01. Review status: criteria provided, single submitter. Criteria: Invitae Variant Classification Sherloc (09022015). Collection method: clinical testing. Allele origin: germline.
Comment: For these reasons, this variant has been classified as Pathogenic. This variant has not been reported in the literature in individuals affected with PRKAR1A-related conditions. This variant is a gross deletion of the genomic region encompassing exon(s) 3-4 of the PRKAR1A gene. This deletion is out-of-frame, and is expected to create a premature termination codon and result in an absent or disrupted protein product. Loss-of-function variants in PRKAR1A are known to be pathogenic (PMID: 11115848, 19293268).

Literature cited by the submitters: PubMed 11115848; PubMed 19293268.

NC_000017.10:g.(?_66518887)_(66519967_?)del

Gene: PRKAR1A (protein kinase cAMP-dependent type I regulatory subunit alpha; plus strand). Cytogenetic location: 17q24.2.
Variant type: Deletion.
Identifiers: ClinVar variation 2424526 (VCV002424526.4).